The following is an entry in ClinVar:

NC_000014.8:g.(?_50649161)_(50655438_?)dup

Gene: SOS2 (SOS Ras/Rho guanine nucleotide exchange factor 2; minus strand). Cytogenetic location: 14q21.3.
Variant type: Duplication.
Identifiers: ClinVar variation 3244042 (VCV003244042.1).

ClinVar aggregate classification (germline): Uncertain significance (1 of 4 stars; one submission).

Conditions:
Noonan syndrome 9 (NS9). Identifiers: Orphanet 648, MedGen C4225282, MONDO:0014691, OMIM 616559.

Submission:

Labcorp Genetics (formerly Invitae), Labcorp
Classification: Uncertain significance for Noonan syndrome 9. Last evaluated: 2023-11-10. Review status: criteria provided, single submitter. Criteria: Invitae Variant Classification Sherloc (09022015). Collection method: clinical testing. Allele origin: unknown.
Comment: This variant results in a copy number gain of the genomic region encompassing exon(s) 5-6 of the SOS2 gene. While the exact position of this variant cannot be determined from the data, sub-genic copy number gains are generally in tandem (PMID: 25640679). This variant is predicted to be in-frame, and likely preserves the integrity of the reading frame. This variant has not been reported in the literature in individuals affected with SOS2-related conditions. Experimental studies and prediction algorithms are not available or were not evaluated, and the functional significance of this variant is currently unknown. In summary, the available evidence is currently insufficient to determine the role of this variant in disease. Therefore, it has been classified as a Variant of Uncertain Significance.

Literature cited by the submitters: PubMed 25640679.